The following is an entry in ClinVar:

ClinVar aggregate classification (germline): Uncertain significance (1 of 4 stars; one submission).

Conditions:
Cardiovascular phenotype. Identifiers: MedGen CN230736.

Submission:

Ambry Genetics
Classification: Uncertain significance for Cardiovascular phenotype. Last evaluated: 2023-03-06. Review status: criteria provided, single submitter. Criteria: Ambry Variant Classification Scheme 2023. Collection method: clinical testing. Allele origin: germline.
Comment: The p.H1258L variant (also known as c.3773A>T), located in coding exon 8 of the ALMS1 gene, results from an A to T substitution at nucleotide position 3773. The histidine at codon 1258 is replaced by leucine, an amino acid with similar properties. This amino acid position is not well conserved in available vertebrate species. In addition, this alteration is predicted to be tolerated by in silico analysis. Since supporting evidence is limited at this time, the clinical significance of this alteration remains unclear.

NM_001378454.1(ALMS1):c.3770A>T (p.His1257Leu)

Gene: ALMS1 (ALMS1 centrosome and basal body associated protein; plus strand). Cytogenetic location: 2p13.1.
Variant type: single nucleotide variant.
Coding change: c.3770A>T on transcript NM_001378454.1 (MANE Select); coding-DNA position 3770, A replaced by T.
Protein change: p.His1257Leu; replaces histidine 1257 with leucine.
Molecular consequence: missense variant.
Genome position (GRCh38, 1-based): chr2:73,450,297, A>T. VCF-style: chr2-73450297-A-T. GRCh37 (hg19) VCF-style: chr2-73677424-A-T.
Other names: c.3773A>T, p.His1258Leu (NM_015120.4); short protein forms H1258L, H1257L.
Identifiers: ClinVar variation 2449611 (VCV002449611.2), dbSNP rs770555189, ClinGen allele CA347276602.
Genomic context (GRCh38, chr2:73,450,297, plus strand): 5'-CTTCTTACTCACACACAGAGAAGCCTGGTATTTTCTACCAACAGGTCTTGCCAGATAATC[A>T]TCCAACTGAAGAGGCTCTGAAAATTTCAGTTGCCTCTGAACCAGTTGACCAGACAACTGG-3'
Protein context (NP_001365383.1, residues 1247-1267): IFYQQVLPDN[His1257Leu]PTEEALKISV